The following is an entry in ClinVar:

NM_001942.4(DSG1):c.678C>A (p.Asp226Glu)

Gene: DSG1 (desmoglein 1; plus strand). Cytogenetic location: 18q12.1.
Variant type: single nucleotide variant.
Coding change: c.678C>A on transcript NM_001942.4 (MANE Select); coding-DNA position 678, C replaced by A.
Protein change: p.Asp226Glu; replaces aspartic acid 226 with glutamic acid.
Molecular consequence: missense variant.
Genome position (GRCh38, 1-based): chr18:31,331,861, C>A. VCF-style: chr18-31331861-C-A. GRCh37 (hg19) VCF-style: chr18-28911824-C-A.
Other names: short protein forms D226E.
Identifiers: ClinVar variation 1721312 (VCV001721312.5), dbSNP rs1471363901, ClinGen allele CA402129601.

ClinVar aggregate classification (germline): Uncertain significance (1 of 4 stars; one submission).

Submission:

Labcorp Genetics (formerly Invitae), Labcorp
Classification: Uncertain significance. Last evaluated: 2022-10-17. Review status: criteria provided, single submitter. Criteria: Invitae Variant Classification Sherloc (09022015). Collection method: clinical testing. Allele origin: germline.
Comment: In summary, the available evidence is currently insufficient to determine the role of this variant in disease. Therefore, it has been classified as a Variant of Uncertain Significance. Advanced modeling of protein sequence and biophysical properties (such as structural, functional, and spatial information, amino acid conservation, physicochemical variation, residue mobility, and thermodynamic stability) has been performed at Invitae for this missense variant, however the output from this modeling did not meet the statistical confidence thresholds required to predict the impact of this variant on DSG1 protein function. This variant has not been reported in the literature in individuals affected with DSG1-related conditions. This variant is not present in population databases (gnomAD no frequency). This sequence change replaces aspartic acid, which is acidic and polar, with glutamic acid, which is acidic and polar, at codon 226 of the DSG1 protein (p.Asp226Glu).